The following is an entry in ClinVar:

ClinVar aggregate classification (germline): Uncertain significance. Review status: criteria provided, multiple submitters, no conflicts (2 of 4 stars). 3 submissions from 3 submitters: Uncertain significance (2). 1 of the submissions does not count toward it. Last evaluated 2025-02-09.

Conditions:
Neuromuscular disease caused by qualitative or quantitative defects of dysferlin. Also called: Dysferlinopathy; Qualitative or quantitative defects of dysferlin. Identifiers: Orphanet 207073, MedGen C2931687, MONDO:0016145.
Autosomal recessive limb-girdle muscular dystrophy type 2B (LGMDR2). Also called: Limb-Girdle Muscular Dystrophy Type 2B (LGMD2B); MUSCULAR DYSTROPHY, LIMB-GIRDLE, AUTOSOMAL RECESSIVE 2; MUSCULAR DYSTROPHY, LIMB-GIRDLE, TYPE 3; Limb-girdle muscular dystrophy, type 2B. Identifiers: Orphanet 268, MedGen C1850889, MONDO:0009676, OMIM 253601.

Allele frequency attached by ClinVar (database versions not stated): gnomAD 0.00002.
gnomAD v4.1: 14 of 1,614,032 alleles (0.00087%); highest among the groups gnomAD compares: African/African-American, 0.0027%; no homozygotes.

Submissions (3):

GeneDx
Classification: Uncertain significance. Last evaluated: 2025-02-09. Review status: criteria provided, single submitter. Criteria: GeneDx Variant Classification Process June 2021. Collection method: clinical testing. Allele origin: germline. Affected: yes.
Comment: Not observed at significant frequency in large population cohorts (gnomAD); In silico analysis supports that this missense variant has a deleterious effect on protein structure/function; Has not been previously published as pathogenic or benign to our knowledge; This variant is associated with the following publications: (PMID: 24438169)

Labcorp Genetics (formerly Invitae), Labcorp
Classification: Uncertain significance for Neuromuscular disease caused by qualitative or quantitative defects of dysferlin. Last evaluated: 2021-08-28. Review status: criteria provided, single submitter. Criteria: Invitae Variant Classification Sherloc (09022015). Collection method: clinical testing. Allele origin: germline.
Comment: This sequence change replaces glycine with alanine at codon 1865 of the DYSF protein (p.Gly1865Ala). The glycine residue is moderately conserved and there is a small physicochemical difference between glycine and alanine. This variant is not present in population databases (ExAC no frequency). This variant has not been reported in the literature in individuals affected with DYSF-related conditions. ClinVar contains an entry for this variant (Variation ID: 432655). Algorithms developed to predict the effect of missense changes on protein structure and function are either unavailable or do not agree on the potential impact of this missense change (SIFT: "Tolerated"; PolyPhen-2: "Probably Damaging"; Align-GVGD: "Class C0"). In summary, the available evidence is currently insufficient to determine the role of this variant in disease. Therefore, it has been classified as a Variant of Uncertain Significance.

Natera, Inc.
Classification: Uncertain significance for Limb-girdle muscular dystrophy type 2B. Last evaluated: 2019-12-28. Review status: no assertion criteria provided. Collection method: clinical testing. Allele origin: germline. Not counted in ClinVar's aggregate classification.

NM_001130987.2(DYSF):c.5711G>C (p.Gly1904Ala)

Gene: DYSF (dysferlin; plus strand). Cytogenetic location: 2p13.2.
Variant type: single nucleotide variant.
Coding change: c.5711G>C on transcript NM_001130987.2 (MANE Select); coding-DNA position 5711, G replaced by C.
Protein change: p.Gly1904Ala; replaces glycine 1904 with alanine.
Molecular consequence: missense variant.
Genome position (GRCh38, 1-based): chr2:71,669,673, G>C. VCF-style: chr2-71669673-G-C. GRCh37 (hg19) VCF-style: chr2-71896803-G-C.
Other names: c.5597G>C, p.Gly1866Ala (NM_001130455.2); c.5552G>C, p.Gly1851Ala (NM_001130976.2); c.5615G>C, p.Gly1872Ala (NM_001130977.2); c.5657G>C, p.Gly1886Ala (NM_001130978.2); c.5687G>C, p.Gly1896Ala (NM_001130979.2); c.5645G>C, p.Gly1882Ala (NM_001130980.2); c.5708G>C, p.Gly1903Ala (NM_001130981.2); c.5690G>C, p.Gly1897Ala (NM_001130982.2); and 5 more; short protein forms G1865A, G1904A, G1873A, G1882A, G1903A, G1851A, G1852A, G1872A.
Identifiers: ClinVar variation 432655 (VCV000432655.8), dbSNP rs1024524968, ClinGen allele CA347223777.